The following is an entry in ClinVar:

ClinVar aggregate classification (germline): Uncertain significance. Review status: criteria provided, multiple submitters, no conflicts (2 of 4 stars). 3 submissions from 3 submitters: Uncertain significance (3). Last evaluated 2026-03-11.

Conditions:
Inborn genetic diseases. Identifiers: MedGen C0950123, MeSH D030342.
Hyperinsulinism-hyperammonemia syndrome (HHF6). Identifiers: Orphanet 35878, MedGen C1847555, MONDO:0011717, OMIM 606762.

Submissions (3):

GeneDx
Classification: Uncertain significance. Last evaluated: 2026-03-11. Review status: criteria provided, single submitter. Criteria: GeneDx Variant Classification Process June 2021. Collection method: clinical testing. Allele origin: germline.
Comment: Not observed at significant frequency in large population cohorts (gnomAD); In silico analysis supports that this missense variant has a deleterious effect on protein structure/function; Has not been previously published as pathogenic or benign to our knowledge

Ambry Genetics
Classification: Uncertain significance for Inborn genetic diseases. Last evaluated: 2025-05-23. Review status: criteria provided, single submitter. Criteria: Ambry Variant Classification Scheme 2023. Collection method: clinical testing. Allele origin: germline.

Labcorp Genetics (formerly Invitae), Labcorp
Classification: Uncertain significance for Hyperinsulinism-hyperammonemia syndrome. Last evaluated: 2021-04-06. Review status: criteria provided, single submitter. Criteria: Invitae Variant Classification Sherloc (09022015). Collection method: clinical testing. Allele origin: germline.
Comment: In summary, the available evidence is currently insufficient to determine the role of this variant in disease. Therefore, it has been classified as a Variant of Uncertain Significance. Algorithms developed to predict the effect of missense changes on protein structure and function are either unavailable or do not agree on the potential impact of this missense change (SIFT: "Not Available"; PolyPhen-2: "Probably Damaging"; Align-GVGD: "Not Available"). This variant has not been reported in the literature in individuals with GLUD1-related conditions. This variant is not present in population databases (ExAC no frequency). This sequence change replaces histidine with tyrosine at codon 139 of the GLUD1 protein (p.His139Tyr). The histidine residue is moderately conserved and there is a moderate physicochemical difference between histidine and tyrosine.

NM_005271.5(GLUD1):c.415C>T (p.His139Tyr)

Genes: GLUD1 (glutamate dehydrogenase 1; minus strand), LOC130004254 (ATAC-STARR-seq lymphoblastoid silent region 2576; plus strand). Cytogenetic location: 10q23.2.
Variant type: single nucleotide variant.
Coding change: c.415C>T on transcript NM_005271.5 (MANE Select); coding-DNA position 415, C replaced by T.
Protein change: p.His139Tyr; replaces histidine 139 with tyrosine.
Molecular consequence: missense variant. On other transcripts: 5 prime UTR variant (3).
Genome position (GRCh38, 1-based): chr10:87,094,355, G>A on the plus strand (C>T on the coding strand, the complement: GLUD1 is on the minus strand). VCF-style: chr10-87094355-G-A. GRCh37 (hg19) VCF-style: chr10-88854112-G-A.
Other names: c.-314C>T (NM_001318904.2); c.-440C>T (NM_001318905.2); c.-147C>T (NM_001318906.2); c.415C>T (NM_005271.3); short protein forms H139Y.
Identifiers: ClinVar variation 1508385 (VCV001508385.8), dbSNP rs2133873984, ClinGen allele CA377454432.